The following is an entry in ClinVar:

NM_000103.4(CYP19A1):c.1327G>A (p.Ala443Thr)

Genes: CYP19A1 (cytochrome P450 family 19 subfamily A member 1; minus strand), MIR4713HG (MIR4713 host gene; plus strand), PIRC66 (piwi-interacting RNA cluster 66; plus strand). Cytogenetic location: 15q21.2.
Variant type: single nucleotide variant.
Coding change: c.1327G>A on transcript NM_000103.4 (MANE Select); coding-DNA position 1327, G replaced by A.
Protein change: p.Ala443Thr; replaces alanine 443 with threonine.
Molecular consequence: missense variant.
Genome position (GRCh38, 1-based): chr15:51,210,993, C>T on the plus strand (G>A on the coding strand, the complement: CYP19A1 is on the minus strand). VCF-style: chr15-51210993-C-T. GRCh37 (hg19) VCF-style: chr15-51503190-C-T.
Other names: c.1327G>A, p.Ala443Thr (NM_001347248.1, NM_001347249.2, NM_001347250.2 and 7 more transcripts); short protein forms A443T.
Identifiers: ClinVar variation 3338979 (VCV003338979.1).
Genomic context (GRCh38, chr15:51,210,993, plus strand): 5'-ATGTCTTCACGTGGAATCGTCTCAGAAGTGTAACGAGGATGGCTTTCATCATCACCATGG[C>T]GATGTACTTTCCTGCACAGCCACGGGGCCCAAAGCCAAATGGCTGAAAGTACCTATAAGG-3'
Protein context (NP_000094.2, residues 433-453): GPRGCAGKYI[Ala443Thr]MVMMKAILVT

ClinVar aggregate classification (germline): Uncertain significance (1 of 4 stars; one submission).

gnomAD v4.1: 15 of 1,590,034 alleles (0.00094%); highest among the groups gnomAD compares: South Asian, 0.0022%; no homozygotes.

Submission:

Women's Health and Genetics/Laboratory Corporation of America, LabCorp
Classification: Uncertain significance. Last evaluated: 2024-07-10. Review status: criteria provided, single submitter. Criteria: LabCorp Variant Classification Summary - May 2015. Collection method: clinical testing. Allele origin: germline.
Comment: Variant summary: CYP19A1 c.1327G>A (p.Ala443Thr) results in a non-conservative amino acid change in the encoded protein sequence. Five of five in-silico tools predict a damaging effect of the variant on protein function. The variant allele was found at a frequency of 1.2e-05 in 250894 control chromosomes. The available data on variant occurrences in the general population are insufficient to allow any conclusion about variant significance. To our knowledge, no occurrence of c.1327G>A in individuals affected with Aromatase deficiency and no experimental evidence demonstrating its impact on protein function have been reported. No submitters have cited clinical-significance assessments for this variant to ClinVar. Based on the evidence outlined above, the variant was classified as uncertain significance.